The following is an entry in ClinVar:

NM_006929.5(SKIC2):c.547CTT[1] (p.Leu184del)

Gene: SKIC2 (SKI2 subunit of superkiller complex; plus strand). Cytogenetic location: 6p21.33.
Variant type: Microsatellite.
Coding change: c.547CTT[1] on transcript NM_006929.5 (MANE Select); one copy of the 3-base unit CTT starting at c.547; the reference has two copies in a row; one copy, 3 bases deleted.
Protein change: p.Leu184del; deletes leucine 184.
Molecular consequence: inframe deletion.
Genome position (GRCh38, 1-based): chr6:31,961,046-31,961,048, CTT deleted; deleting any 3 consecutive bases within chr6:31,961,042-31,961,048 gives the same sequence; the position shown is the placement nearest the transcript's 3' end. VCF-style (leftmost placement, unchanged base first): chr6-31961041-ATCT-A. GRCh37 (hg19) VCF-style: chr6-31928818-ATCT-A.
Other names: short protein forms L184del.
Identifiers: ClinVar variation 2056485 (VCV002056485.1), dbSNP rs2482901150, ClinGen allele CA645561216.

ClinVar aggregate classification (germline): Uncertain significance (1 of 4 stars; one submission).

Submission:

Labcorp Genetics (formerly Invitae), Labcorp
Classification: Uncertain significance. Last evaluated: 2022-06-04. Review status: criteria provided, single submitter. Criteria: Invitae Variant Classification Sherloc (09022015). Collection method: clinical testing. Allele origin: germline.
Comment: This variant, c.550_552del, results in the deletion of 1 amino acid(s) of the SKIV2L protein (p.Leu184del), but otherwise preserves the integrity of the reading frame. This variant is not present in population databases (gnomAD no frequency). This variant has not been reported in the literature in individuals affected with SKIV2L-related conditions. Experimental studies and prediction algorithms are not available or were not evaluated, and the functional significance of this variant is currently unknown. In summary, the available evidence is currently insufficient to determine the role of this variant in disease. Therefore, it has been classified as a Variant of Uncertain Significance.